The following is an entry in ClinVar:

ClinVar aggregate classification (germline): Uncertain significance (0 of 4 stars; one submission).

gnomAD v4.1: 4 of 1,613,324 alleles (0.00025%); highest among the groups gnomAD compares: Non-Finnish European, 0.00034%; no homozygotes.

Submission:

Department of Pathology and Laboratory Medicine, Sinai Health System
Classification: Uncertain significance. Review status: no assertion criteria provided. Collection method: clinical testing. Allele origin: unknown. Affected: yes. Study: The Canadian Open Genetics Repository (COGR).
Comment: The PTPN13 p.Arg1299Pro variant was not identified in the literature nor was it identified in dbSNP, ClinVar, Cosmic, LOVD 3.0 or in the following control databases: the 1000 Genomes Project, the NHLBI GO Exome Sequencing Project, the Exome Aggregation Consortium (August 8th 2016), or the Genome Aggregation Database (Feb 27, 2017). The p.Arg1299 residue is not conserved in mammals and computational analyses (PolyPhen-2, SIFT, AlignGVGD, BLOSUM, MutationTaster) provide inconsistent predictions regarding the impact to the protein; this information is not very predictive of pathogenicity. The variant occurs outside of the splicing consensus sequence and in silico or computational prediction software programs (SpliceSiteFinder, MaxEntScan, NNSPLICE, GeneSplicer) do not predict a difference in splicing. In summary, based on the above information the clinical significance of this variant cannot be determined with certainty at this time. This variant is classified as a variant of uncertain significance.

NM_080683.3(PTPN13):c.3953G>C (p.Arg1318Pro)

Gene: PTPN13 (protein tyrosine phosphatase non-receptor type 13; plus strand). Cytogenetic location: 4q21.3.
Variant type: single nucleotide variant.
Coding change: c.3953G>C on transcript NM_080683.3 (MANE Select); coding-DNA position 3953, G replaced by C.
Protein change: p.Arg1318Pro; replaces arginine 1318 with proline.
Molecular consequence: missense variant.
Genome position (GRCh38, 1-based): chr4:86,763,126, G>C. VCF-style: chr4-86763126-G-C. GRCh37 (hg19) VCF-style: chr4-87684279-G-C.
Other names: c.3896G>C, p.Arg1299Pro (NM_006264.3); c.3380G>C, p.Arg1127Pro (NM_080684.3); c.3953G>C, p.Arg1318Pro (NM_080685.3); short protein forms R1127P, R1299P, R1318P.
Identifiers: ClinVar variation 1049178 (VCV001049178.1), dbSNP rs749733308, ClinGen allele CA357566346.
Genomic context (GRCh38, chr4:86,763,126, plus strand): 5'-ATAGTAACCAAAGCAAAACTAAAAAGCCAGGCATTTCTGATGTAACTGATTACTCAGACC[G>C]TGGAGATTCAGACATGGATGAAGCCACTTACTCCAGCAGTCAGGATCATCAAACACCAAA-3'
Protein context (NP_542414.1, residues 1308-1328): GISDVTDYSD[Arg1318Pro]GDSDMDEATY